The following is an entry in ClinVar:

NC_000001.10:g.(?_76190473)_(76200576_?)del

Gene: ACADM (acyl-CoA dehydrogenase medium chain; plus strand). Cytogenetic location: 1p31.1.
Variant type: Deletion.
Identifiers: ClinVar variation 1459341 (VCV001459341.6).

ClinVar aggregate classification (germline): Pathogenic (1 of 4 stars; one submission).

Conditions:
Medium-chain acyl-coenzyme A dehydrogenase deficiency (ACADMD). Also called: MCAD Deficiency; MCADH DEFICIENCY; CARNITINE DEFICIENCY SECONDARY TO MEDIUM-CHAIN ACYL-CoA DEHYDROGENASE DEFICIENCY; ACADM DEFICIENCY; Medium chain acyl-CoA dehydrogenase deficiency; MCADD. Identifiers: Orphanet 42, MedGen C0220710, MONDO:0008721, OMIM 201450.

Submission:

Labcorp Genetics (formerly Invitae), Labcorp
Classification: Pathogenic for Medium-chain acyl-coenzyme A dehydrogenase deficiency. Last evaluated: 2021-01-27. Review status: criteria provided, single submitter. Criteria: Invitae Variant Classification Sherloc (09022015). Collection method: clinical testing. Allele origin: germline.
Comment: For these reasons, this variant has been classified as Pathogenic. Experimental studies and prediction algorithms are not available or were not evaluated, and the functional significance of this variant is currently unknown. A similar copy number variant has been observed in ‚Äãindividual(s) with MCAD deficiency (PMID: 20036593). This variant is a gross deletion of the genomic region encompassing exon(s) 1-6 of the ACADM gene, which includes the initiator codon. The 5' end of this event is unknown as it extends beyond the assayed region for this gene and therefore may encompass additional genes. The 3' boundary is likely confined to intron 6 of the ACADM gene. It is expected to result in an absent or disrupted protein product. Loss-of-function variants in ACADM are known to be pathogenic (PMID: 16121256, 20434380).

Literature cited by the submitters: PubMed 20036593; PubMed 16121256; PubMed 20434380.